The following is an entry in ClinVar:

ClinVar aggregate classification (germline): Benign/Likely benign. Review status: criteria provided, multiple submitters, no conflicts (2 of 4 stars). 4 submissions from 4 submitters: Benign (1); Likely benign (2). 1 of the submissions does not count toward it. Last evaluated 2026-01-18.

Conditions:
ERCC6L2-related disorder. Also called: ERCC6L2-related condition.
Inborn genetic diseases. Identifiers: MedGen C0950123, MeSH D030342.

Allele frequency attached by ClinVar (database versions not stated): gnomAD exomes 0.00007 and 0.00021; ExAC 0.00032; TOPMed 0.00082; gnomAD 0.00086 and 0.00091; 1000 Genomes Project 30x 0.00109; 1000 Genomes Project 0.00120; ESP Exome Variant Server 0.00123.
gnomAD v4.1: 227 of 1,609,578 alleles (0.014%); highest among the groups gnomAD compares: African/African-American, 0.28%; no homozygotes.

Submissions (4):

Labcorp Genetics (formerly Invitae), Labcorp
Classification: Benign. Last evaluated: 2026-01-18. Review status: criteria provided, single submitter. Criteria: Invitae Variant Classification Sherloc (09022015). Collection method: clinical testing. Allele origin: germline.

Blueprint Genetics
Classification: Likely benign. Last evaluated: 2024-11-26. Review status: criteria provided, single submitter. Criteria: ACMG Guidelines, 2015. Collection method: clinical testing. Allele origin: germline.

Ambry Genetics
Classification: Likely benign for Inborn genetic diseases. Last evaluated: 2024-10-15. Review status: criteria provided, single submitter. Criteria: Ambry Variant Classification Scheme 2023. Collection method: clinical testing. Allele origin: germline.

PreventionGenetics, part of Exact Sciences
Classification: Likely benign for ERCC6L2-related condition. Last evaluated: 2020-03-25. Review status: no assertion criteria provided. Collection method: clinical testing. Allele origin: germline. Not counted in ClinVar's aggregate classification.
Comment: This variant is classified as likely benign based on ACMG/AMP sequence variant interpretation guidelines (Richards et al. 2015 PMID: 25741868, with internal and published modifications).

NM_020207.7(ERCC6L2):c.1095T>C (p.Ser365=)

Gene: ERCC6L2 (ERCC excision repair 6 like 2; plus strand). Cytogenetic location: 9q22.32.
Variant type: single nucleotide variant.
Coding change: c.1095T>C on transcript NM_020207.7 (MANE Select); coding-DNA position 1095, T replaced by C.
Protein change: p.Ser365=; no amino-acid change (serine 365 retained).
Molecular consequence: synonymous variant. On other transcripts: non-coding transcript variant (1).
Genome position (GRCh38, 1-based): chr9:95,916,371, T>C. VCF-style: chr9-95916371-T-C. GRCh37 (hg19) VCF-style: chr9-98678653-T-C.
Other names: c.1095T>C, p.Ser365= (NM_001010895.4, NM_001375291.1, NM_001375292.1 and 2 more transcripts).
Identifiers: ClinVar variation 729168 (VCV000729168.13), dbSNP rs147782697, ClinGen allele CA5139450.